The following is an entry in ClinVar:

ClinVar aggregate classification (germline): Conflicting classifications of pathogenicity. Review status: criteria provided, conflicting classifications (1 of 4 stars). 4 submissions from 4 submitters: Uncertain significance (3); Likely benign (1). Last evaluated 2025-03-15.

Conditions:
Colorectal cancer, susceptibility to, 1. Also called: COLORECTAL ADENOMA AND CANCER, SUSCEPTIBILITY TO; COLORECTAL CANCER, SUSCEPTIBILITY TO, ON CHROMOSOME 9. Identifiers: MedGen C1837315, MONDO:0012132, OMIM 608812.

Allele frequency attached by ClinVar (database versions not stated): ExAC below 0.00001; 1000 Genomes Project 30x 0.00016; gnomAD 0.00016 and 0.00019; TOPMed 0.00020.
gnomAD v4.1: 36 of 1,206,158 alleles (0.003%); highest among the groups gnomAD compares: African/African-American, 0.051%; no homozygotes.

Submissions (4):

Ambry Genetics
Classification: Uncertain significance. Last evaluated: 2025-03-15. Review status: criteria provided, single submitter. Criteria: Ambry Variant Classification Scheme 2023. Collection method: clinical testing. Allele origin: germline.
Comment: The p.P71L variant (also known as c.212C>T), located in coding exon 1 of the GALNT12 gene, results from a C to T substitution at nucleotide position 212. The proline at codon 71 is replaced by leucine, an amino acid with similar properties. This amino acid position is well conserved in available vertebrate species. In addition, this alteration is predicted to be tolerated by in silico analysis. Since supporting evidence is limited at this time, the clinical significance of this alteration remains unclear.

Quest Diagnostics Nichols Institute San Juan Capistrano
Classification: Likely benign. Last evaluated: 2025-02-20. Review status: criteria provided, single submitter. Criteria: Quest Diagnostics criteria. Collection method: clinical testing. Allele origin: unknown.

Baylor Genetics
Classification: Uncertain significance for Colorectal cancer, susceptibility to, 1. Last evaluated: 2024-02-19. Review status: criteria provided, single submitter. Criteria: ACMG Guidelines, 2015. Collection method: clinical testing. Allele origin: unknown.

Labcorp Genetics (formerly Invitae), Labcorp
Classification: Uncertain significance. Last evaluated: 2023-07-07. Review status: criteria provided, single submitter. Criteria: Invitae Variant Classification Sherloc (09022015). Collection method: clinical testing. Allele origin: germline.
Comment: In summary, the available evidence is currently insufficient to determine the role of this variant in disease. Therefore, it has been classified as a Variant of Uncertain Significance. Advanced modeling of protein sequence and biophysical properties (such as structural, functional, and spatial information, amino acid conservation, physicochemical variation, residue mobility, and thermodynamic stability) performed at Invitae indicates that this missense variant is not expected to disrupt GALNT12 protein function. ClinVar contains an entry for this variant (Variation ID: 485665). This variant has not been reported in the literature in individuals affected with GALNT12-related conditions. This variant is present in population databases (rs781089454, gnomAD 0.04%). This sequence change replaces proline, which is neutral and non-polar, with leucine, which is neutral and non-polar, at codon 71 of the GALNT12 protein (p.Pro71Leu).

NM_024642.5(GALNT12):c.212C>T (p.Pro71Leu)

Gene: GALNT12 (polypeptide N-acetylgalactosaminyltransferase 12; plus strand). Cytogenetic location: 9q22.33.
Variant type: single nucleotide variant.
Coding change: c.212C>T on transcript NM_024642.5 (MANE Select); coding-DNA position 212, C replaced by T.
Protein change: p.Pro71Leu; replaces proline 71 with leucine.
Molecular consequence: missense variant.
Genome position (GRCh38, 1-based): chr9:98,807,910, C>T. VCF-style: chr9-98807910-C-T. GRCh37 (hg19) VCF-style: chr9-101570192-C-T.
Other names: short protein forms P71L.
Identifiers: ClinVar variation 485665 (VCV000485665.20), dbSNP rs781089454, ClinGen allele CA5153899.